The following is an entry in ClinVar:

ClinVar aggregate classification (germline): Benign. Review status: criteria provided, single submitter (1 of 4 stars). 2 submissions from 1 submitter: Benign (2). Last evaluated 2018-01-13.

Conditions:
Mucolipidosis type II. Also called: Mucolipidosis II Alpha/Beta; ML II ALPHA/BETA; Mucolipidosis 2; ML 2; Inclusion cell disease; Leroy Disease. Identifiers: Orphanet 576, MedGen C2673377, MONDO:0009650, OMIM 252500.
Pseudo-Hurler polydystrophy. Also called: MUCOLIPIDOSIS IIIA; ML IIIA; Mucolipidosis III Alpha/Beta; ML III; ML III ALPHA/BETA; Type III Mucolipidosis. Identifiers: Orphanet 423461, Orphanet 577, MedGen C0033788, MONDO:0018931, OMIM 252600.

Allele frequency attached by ClinVar (database versions not stated): 1000 Genomes Project 30x 0.01312; gnomAD 0.01250 and 0.01169; 1000 Genomes Project 0.01278; TOPMed 0.01322.

Submissions (2):

Illumina Laboratory Services, Illumina
Classification: Benign for Pseudo-Hurler polydystrophy. Last evaluated: 2018-01-13. Review status: criteria provided, single submitter. Criteria: ICSL Variant Classification Criteria 13 December 2019. Collection method: clinical testing. Allele origin: germline.
Comment: This variant was observed in the ICSL laboratory as part of a predisposition screen in an ostensibly healthy population. It had not been previously curated by ICSL or reported in the Human Gene Mutation Database (HGMD: prior to June 1st, 2018), and was therefore a candidate for classification through an automated scoring system. Utilizing variant allele frequency, disease prevalence and penetrance estimates, and inheritance mode, an automated score was calculated to assess if this variant is too frequent to cause the disease. Based on the score and internal cut-off values, a variant classified as benign is not then subjected to further curation. The score for this variant resulted in a classification of benign for this disease.

Illumina Laboratory Services, Illumina
Classification: Benign for Mucolipidosis type II. Last evaluated: 2018-01-13. Review status: criteria provided, single submitter. Criteria: ICSL Variant Classification Criteria 13 December 2019. Collection method: clinical testing. Allele origin: germline.
Comment: the same text as in the submission from Illumina Laboratory Services, Illumina above.

NM_024312.5(GNPTAB):c.*1240T>C

Gene: GNPTAB (N-acetylglucosamine-1-phosphate transferase subunits alpha and beta; minus strand). Cytogenetic location: 12q23.2.
Variant type: single nucleotide variant.
Coding change: c.*1240T>C on transcript NM_024312.5 (MANE Select); 1240 bases downstream of the stop codon, T replaced by C.
Molecular consequence: 3 prime UTR variant.
Genome position (GRCh38, 1-based): chr12:101,745,924, A>G on the plus strand (T>C on the coding strand, the complement: GNPTAB is on the minus strand). VCF-style: chr12-101745924-A-G. GRCh37 (hg19) VCF-style: chr12-102139702-A-G.
Identifiers: ClinVar variation 306771 (VCV000306771.5), dbSNP rs146119768, ClinGen allele CA10636113.